The following is an entry in ClinVar:

ClinVar aggregate classification (germline): Pathogenic (1 of 4 stars; one submission).

Conditions:
Ehlers-Danlos syndrome due to tenascin-X deficiency (EDSCLL1). Also called: Ehlers-Danlos syndrome, classic-like, 1; EHLERS-DANLOS SYNDROME, CLASSIC-LIKE; TNXB-Related Classical-Like Ehlers-Danlos Syndrome; EDS DUE TO TNX DEFICIENCY; TNX DEFICIENCY. Identifiers: Orphanet 230839, MedGen C1848029, MONDO:0011670, OMIM 606408.

gnomAD v4.1: 5 of 1,578,498 alleles (0.00032%); highest among the groups gnomAD compares: Non-Finnish European, 0.00043%; no homozygotes.

Submission:

Myriad Genetics, Inc.
Classification: Pathogenic for Ehlers-Danlos syndrome due to tenascin-X deficiency. Last evaluated: 2024-05-03. Review status: criteria provided, single submitter. Criteria: Myriad Autosomal Dominant, Autosomal Recessive and X-Linked Classification Criteria (2023). Collection method: clinical testing. Allele origin: unknown.
Comment: NM_019105.6(TNXB):c.1690C>T(R564*) is expected to be pathogenic in the context of classical-like Ehlers-Danlos syndrome, TNXB-related. This variant is predicted to lead to an abnormal or absent protein product due to the creation of a premature termination codon in TNXB, a gene where loss-of-function variants are known to be pathogenic. Please note: this variant was assessed in the context of healthy population screening.

NM_001365276.2(TNXB):c.1690C>T (p.Arg564Ter)

Gene: TNXB (tenascin XB; minus strand). Cytogenetic location: 6p21.33.
Variant type: single nucleotide variant.
Coding change: c.1690C>T on transcript NM_001365276.2 (MANE Select); coding-DNA position 1690, C replaced by T.
Protein change: p.Arg564Ter; replaces arginine 564 with a stop codon.
Molecular consequence: nonsense.
Genome position (GRCh38, 1-based): chr6:32,096,163, G>A on the plus strand (C>T on the coding strand, the complement: TNXB is on the minus strand). VCF-style: chr6-32096163-G-A. GRCh37 (hg19) VCF-style: chr6-32063940-G-A.
Other names: c.1690C>T, p.Arg564Ter (NM_001428335.1, NM_019105.8); short protein forms R564*.
Identifiers: ClinVar variation 5012996 (VCV005012996.1).